The following is an entry in ClinVar:

ClinVar aggregate classification (germline): Pathogenic/Likely pathogenic. Review status: criteria provided, multiple submitters, no conflicts (2 of 4 stars). 6 submissions from 6 submitters: Pathogenic (3); Likely pathogenic (2). 1 of the submissions does not count toward it. Last evaluated 2025-08-25.

Conditions:
Lamellar ichthyosis. Identifiers: Orphanet 313, MedGen C5848247, MONDO:0017778.
ALOX12B-related disorder. Also called: ALOX12B-related condition.
Autosomal recessive congenital ichthyosis 2 (ARCI2). Identifiers: Orphanet 281122, Orphanet 79394, MedGen C3888093, MONDO:0009439, OMIM 242100.

Allele frequency attached by ClinVar (database versions not stated): gnomAD 0.00001; ExAC 0.00002; gnomAD exomes 0.00002; TOPMed 0.00003; ESP Exome Variant Server 0.00008.
gnomAD v4.1: 33 of 1,614,078 alleles (0.002%); highest among the groups gnomAD compares: Admixed American, 0.0067%; no homozygotes.

Submissions (6):

GeneDx
Classification: Pathogenic. Last evaluated: 2025-08-25. Review status: criteria provided, single submitter. Criteria: GeneDx Variant Classification Process June 2021. Collection method: clinical testing. Allele origin: germline. Affected: yes.
Comment: Published functional studies demonstrate that this variant is associated with loss of enzymatic activity (PMID: 16116617); Not observed at significant frequency in large population cohorts (gnomAD); In silico analysis supports that this missense variant has a deleterious effect on protein structure/function; This variant is associated with the following publications: (PMID: 26762237, 16116617, 33726816, 33435499)

Labcorp Genetics (formerly Invitae), Labcorp
Classification: Pathogenic. Last evaluated: 2024-10-18. Review status: criteria provided, single submitter. Criteria: Invitae Variant Classification Sherloc (09022015). Collection method: clinical testing. Allele origin: germline.
Comment: This sequence change replaces leucine, which is neutral and non-polar, with proline, which is neutral and non-polar, at codon 24 of the ALOX12B protein (p.Leu24Pro). This variant is present in population databases (rs201575829, gnomAD 0.006%). This missense change has been observed in individuals with autosomal recessive congenital ichthyosis (PMID: 16116617, 26762237, 33435499). ClinVar contains an entry for this variant (Variation ID: 995481). Invitae Evidence Modeling of protein sequence and biophysical properties (such as structural, functional, and spatial information, amino acid conservation, physicochemical variation, residue mobility, and thermodynamic stability) indicates that this missense variant is expected to disrupt ALOX12B protein function with a positive predictive value of 95%. For these reasons, this variant has been classified as Pathogenic.

Fulgent Genetics
Classification: Likely pathogenic for Autosomal recessive congenital ichthyosis 2. Last evaluated: 2024-03-08. Review status: criteria provided, single submitter. Criteria: ACMG Guidelines, 2015. Collection method: clinical testing. Allele origin: germline.

Women's Health and Genetics/Laboratory Corporation of America, LabCorp
Classification: Pathogenic for Lamellar ichthyosis. Last evaluated: 2022-12-03. Review status: criteria provided, single submitter. Criteria: LabCorp Variant Classification Summary - May 2015. Collection method: clinical testing. Allele origin: germline.
Comment: Variant summary: ALOX12B c.71T>C (p.Leu24Pro) results in a non-conservative amino acid change located in the PLAT/LH2 domain (IPR001024) of the encoded protein sequence. Five of five in-silico tools predict a damaging effect of the variant on protein function. The variant allele was found at a frequency of 2.4e-05 in 251492 control chromosomes. c.71T>C has been reported in the literature as biallelic compound heterozygous genotypes in individuals affected with features of Lamellar Ichthyosis (example, Eckl_2005, Diociaiuti_2016, Hotz_2021). These data indicate that the variant is likely to be associated with disease. At least one publication reports experimental evidence evaluating an impact on protein function (Eckl_2005). The most pronounced variant effect results in a complete loss of catalytic activity of the epidermal lipoxygenase, 12R-LOX in-vitro. One clinical diagnostic laboratory has submitted clinical-significance assessments for this variant to ClinVar after 2014 and classified the variant as pathogenic. Based on the evidence outlined above, the variant was classified as pathogenic.

Blueprint Genetics
Classification: Likely pathogenic for ALOX12B-related disorders. Last evaluated: 2021-05-19. Review status: criteria provided, single submitter. Criteria: ACMG Guidelines, 2015. Collection method: clinical testing. Allele origin: germline. Affected: yes. Observed: 3 variant alleles.

Institute for Human Genetics, University Medical Center Freiburg
Classification: Pathogenic for Autosomal recessive congenital ichthyosis 2. Last evaluated: 2021-01-07. Review status: no assertion criteria provided. Collection method: clinical testing. Allele origin: unknown. Affected: yes. Not counted in ClinVar's aggregate classification.

Literature cited by the submitters: PubMed 16116617 (cited by 3 submitters); PubMed 26762237 (cited by Labcorp Genetics (formerly Invitae), Labcorp and Women's Health and Genetics/Laboratory Corporation of America, LabCorp); PubMed 33435499 (cited by Labcorp Genetics (formerly Invitae), Labcorp and Women's Health and Genetics/Laboratory Corporation of America, LabCorp); PubMed 33726816 (cited by Women's Health and Genetics/Laboratory Corporation of America, LabCorp).

NM_001139.3(ALOX12B):c.71T>C (p.Leu24Pro)

Gene: ALOX12B (arachidonate 12-lipoxygenase, 12R type; minus strand). Cytogenetic location: 17p13.1.
Variant type: single nucleotide variant.
Coding change: c.71T>C on transcript NM_001139.3 (MANE Select); coding-DNA position 71, T replaced by C.
Protein change: p.Leu24Pro; replaces leucine 24 with proline.
Molecular consequence: missense variant.
Genome position (GRCh38, 1-based): chr17:8,087,372, A>G on the plus strand (T>C on the coding strand, the complement: ALOX12B is on the minus strand). VCF-style: chr17-8087372-A-G. GRCh37 (hg19) VCF-style: chr17-7990690-A-G.
Other names: short protein forms L24P.
Identifiers: ClinVar variation 995481 (VCV000995481.11), dbSNP rs201575829, ClinGen allele CA8367812.
Genomic context (GRCh38, chr17:8,087,372, plus strand): 5'-TCTCTCCCAAAGTGGTTCAGCAGCTGCTTATGGCTCTCTCCTTGTGTCCCCACAATGGTC[A>G]GTGAGATGGAGTCCCGTGTTCCCGACAAGAGGTCGGTGCCTGTGGCCACCCTGACTTTGT-3'
Protein context (NP_001130.1, residues 14-34): LLSGTRDSIS[Leu24Pro]TIVGTQGESH